The following is an entry in ClinVar:

NM_177438.3(DICER1):c.1036T>G (p.Leu346Val)

Gene: DICER1 (dicer 1, ribonuclease III; minus strand). Cytogenetic location: 14q32.13.
Variant type: single nucleotide variant.
Coding change: c.1036T>G on transcript NM_177438.3 (MANE Select); coding-DNA position 1036, T replaced by G.
Protein change: p.Leu346Val; replaces leucine 346 with valine.
Molecular consequence: missense variant.
Genome position (GRCh38, 1-based): chr14:95,124,536, A>C on the plus strand (T>G on the coding strand, the complement: DICER1 is on the minus strand). VCF-style: chr14-95124536-A-C. GRCh37 (hg19) VCF-style: chr14-95590873-A-C.
Other names: NM_177438.3(DICER1):c.1036T>G; p.Leu346Val; c.1036T>G, p.Leu346Val (NM_001195573.1, NM_001271282.3, NM_001291628.2 and 1 more transcripts); short protein forms L346V.
Identifiers: ClinVar variation 850948 (VCV000850948.15), dbSNP rs1893233162, ClinGen allele CA390887105.

ClinVar aggregate classification (germline): Uncertain significance. Review status: reviewed by expert panel (3 of 4 stars). 4 submissions from 4 submitters: Uncertain significance (1). 3 of the submissions do not count toward it. Last evaluated 2026-06-23.

Conditions:
DICER1-related tumor predisposition. Also called: DICER1 syndrome; DICER1-related pleuropulmonary blastoma cancer predisposition syndrome. Identifiers: Orphanet 284343, MedGen C3839822, MONDO:0100216.
Hereditary cancer-predisposing syndrome. Also called: Tumor predisposition; Neoplastic Syndromes, Hereditary; Hereditary neoplastic syndrome; Hereditary Cancer Syndrome. Identifiers: Orphanet 140162, MedGen C0027672, MeSH D009386, MONDO:0015356.

Allele frequency attached by ClinVar (database versions not stated): TOPMed 0.00001; gnomAD 0.00001.
gnomAD v4.1: 1 of 1,613,892 alleles (0.000062%); highest among the groups gnomAD compares: African/African-American, 0.0013%; no homozygotes.

Submissions (4):

ClinGen DICER1 and miRNA-Processing Gene Variant Curation Expert Panel, ClinGen
Classification: Uncertain significance for DICER1-related tumor predisposition. Last evaluated: 2026-06-23. Review status: reviewed by expert panel. Criteria: ClinGen DICER1 ACMG Specifications DICER1 V1.4.0. Collection method: curation. Allele origin: germline. Inheritance: Autosomal dominant inheritance.
Comment: The NM_177438.3:c.1036T>G variant in DICER1 is a missense variant predicted to replace leucine with valine at codon 346 (p.Leu346Val). Although this variant has been observed in individuals undergoing genetic sequencing, to our knowledge, this variant has not been reported in individuals with DICER1-related tumor predisposition (PS4 not met; Internal lab contributors). The total allele frequency in gnomAD v4.1.0 is 0.000006570 (1/152196 alleles) with a highest population minor allele frequency of 0.00002413 (1/41444 alleles) in African/African American population (PM2_Supporting, BS1, and BA1 are not met). In silico tools predict no damaging impact of the variant on protein function (REVEL: 0.261; MaxEntScan and SpliceAI: no effect on splicing) (BP4). In summary, this variant meets the criteria to be classified as Uncertain Significance for DICER1-related tumor predisposition based on the ACMG/AMP criteria applied, as specified by the ClinGen DICER1 VCEP: BP4. (Bayesian Points: -1; VCEP specifications version 1.4.0; 06/23/2026).

Labcorp Genetics (formerly Invitae), Labcorp
Classification: Uncertain significance for DICER1-related tumor predisposition. Last evaluated: 2025-09-15. Review status: criteria provided, single submitter. Criteria: Invitae Variant Classification Sherloc (09022015). Collection method: clinical testing. Allele origin: germline. Not counted in ClinVar's aggregate classification.
Comment: This sequence change replaces leucine, which is neutral and non-polar, with valine, which is neutral and non-polar, at codon 346 of the DICER1 protein (p.Leu346Val). This variant is not present in population databases (gnomAD no frequency). This variant has not been reported in the literature in individuals affected with DICER1-related conditions. ClinVar contains an entry for this variant (Variation ID: 850948). Invitae Evidence Modeling of protein sequence and biophysical properties (such as structural, functional, and spatial information, amino acid conservation, physicochemical variation, residue mobility, and thermodynamic stability) indicates that this missense variant is not expected to disrupt DICER1 protein function with a negative predictive value of 95%. In summary, the available evidence is currently insufficient to determine the role of this variant in disease. Therefore, it has been classified as a Variant of Uncertain Significance.

Ambry Genetics
Classification: Uncertain significance for Hereditary cancer-predisposing syndrome. Last evaluated: 2021-08-12. Review status: criteria provided, single submitter. Criteria: Ambry Variant Classification Scheme 2023. Collection method: clinical testing. Allele origin: germline. Not counted in ClinVar's aggregate classification.
Comment: The p.L346V variant (also known as c.1036T>G), located in coding exon 7 of the DICER1 gene, results from a T to G substitution at nucleotide position 1036. The leucine at codon 346 is replaced by valine, an amino acid with highly similar properties. This amino acid position is highly conserved in available vertebrate species. In addition, this alteration is predicted to be tolerated by in silico analysis. Since supporting evidence is limited at this time, the clinical significance of this alteration remains unclear.

Sema4
Classification: Uncertain significance for Hereditary cancer-predisposing syndrome. Last evaluated: 2021-05-30. Review status: criteria provided, single submitter. Criteria: Sema4 Curation Guidelines. Collection method: curation. Allele origin: germline. Not counted in ClinVar's aggregate classification.
Comment: The DICER1 c.1036T>G (p.L346V) variant has not been reported in the literature to our knowledge. This variant has not been observed in the large and broad cohorts of the Genome Aggregation Database (PMID: 32461654). This variant has been reported in ClinVar (Variation ID 850948). In silico tools suggest the impact of the variant on protein function is inconclusive, though these predictions have not been confirmed by functional studies. The overall evidence is insufficient to meet ACMG/AMP criteria for classifying it as benign or pathogenic. In summary, the clinical significance of this variant is currently uncertain.